The following is an entry in ClinVar:

NM_001113378.2(FANCI):c.1186A>G (p.Lys396Glu)

Gene: FANCI (FA complementation group I; plus strand). Cytogenetic location: 15q26.1.
Variant type: single nucleotide variant.
Coding change: c.1186A>G on transcript NM_001113378.2 (MANE Select); coding-DNA position 1186, A replaced by G.
Protein change: p.Lys396Glu; replaces lysine 396 with glutamic acid.
Molecular consequence: missense variant.
Genome position (GRCh38, 1-based): chr15:89,276,784, A>G. VCF-style: chr15-89276784-A-G. GRCh37 (hg19) VCF-style: chr15-89820015-A-G.
Other names: c.907A>G, p.Lys303Glu (NM_001376910.1); c.1186A>G, p.Lys396Glu (NM_001376911.1, NM_018193.3); short protein forms K303E, K396E.
Identifiers: ClinVar variation 947155 (VCV000947155.9), dbSNP rs2053427139, ClinGen allele CA393742154.

ClinVar aggregate classification (germline): Uncertain significance (1 of 4 stars; one submission).

Conditions:
Fanconi anemia (FA). Also called: Fanconi's anemia. Identifiers: Orphanet 84, MedGen C0015625, MeSH D005199, MONDO:0019391.

Submission:

Labcorp Genetics (formerly Invitae), Labcorp
Classification: Uncertain significance for Fanconi anemia. Last evaluated: 2019-05-28. Review status: criteria provided, single submitter. Criteria: Invitae Variant Classification Sherloc (09022015). Collection method: clinical testing. Allele origin: germline.
Comment: This sequence change replaces lysine with glutamic acid at codon 396 of the FANCI protein (p.Lys396Glu). The lysine residue is highly conserved and there is a small physicochemical difference between lysine and glutamic acid. This variant is not present in population databases (ExAC no frequency). This variant has not been reported in the literature in individuals with FANCI-related conditions. Algorithms developed to predict the effect of missense changes on protein structure and function (SIFT, PolyPhen-2, Align-GVGD) all suggest that this variant is likely to be disruptive, but these predictions have not been confirmed by published functional studies and their clinical significance is uncertain. In summary, the available evidence is currently insufficient to determine the role of this variant in disease. Therefore, it has been classified as a Variant of Uncertain Significance.